The following is an entry in ClinVar:

ClinVar aggregate classification (germline): Uncertain significance (1 of 4 stars; one submission).

Conditions:
Alagille syndrome due to a JAG1 point mutation. Also called: Alagille Syndrome 1; HEPATIC DUCTULAR HYPOPLASIA, SYNDROMATIC; JAG1-Related Alagille Syndrome. Identifiers: Orphanet 261619, Orphanet 52, MedGen C1956125, MONDO:0016862, OMIM 118450.

Allele frequency attached by ClinVar (database versions not stated): gnomAD exomes 0.00001.
gnomAD v4.1: 14 of 1,613,142 alleles (0.00087%); highest among the groups gnomAD compares: Admixed American, 0.0033%; no homozygotes.

Submission:

Labcorp Genetics (formerly Invitae), Labcorp
Classification: Uncertain significance for Alagille syndrome due to a JAG1 point mutation. Last evaluated: 2025-03-03. Review status: criteria provided, single submitter. Criteria: Invitae Variant Classification Sherloc (09022015). Collection method: clinical testing. Allele origin: germline.
Comment: This sequence change replaces asparagine, which is neutral and polar, with aspartic acid, which is acidic and polar, at codon 51 of the JAG1 protein (p.Asn51Asp). This variant is not present in population databases (gnomAD no frequency). This variant has not been reported in the literature in individuals affected with JAG1-related conditions. ClinVar contains an entry for this variant (Variation ID: 2198686). Invitae Evidence Modeling of protein sequence and biophysical properties (such as structural, functional, and spatial information, amino acid conservation, physicochemical variation, residue mobility, and thermodynamic stability) indicates that this missense variant is not expected to disrupt JAG1 protein function with a negative predictive value of 95%. In summary, the available evidence is currently insufficient to determine the role of this variant in disease. Therefore, it has been classified as a Variant of Uncertain Significance.

NM_000214.3(JAG1):c.151A>G (p.Asn51Asp)

Gene: JAG1 (jagged canonical Notch ligand 1; minus strand). Cytogenetic location: 20p12.2.
Variant type: single nucleotide variant.
Coding change: c.151A>G on transcript NM_000214.3 (MANE Select); coding-DNA position 151, A replaced by G.
Protein change: p.Asn51Asp; replaces asparagine 51 with aspartic acid.
Molecular consequence: missense variant.
Genome position (GRCh38, 1-based): chr20:10,672,937, T>C on the plus strand (A>G on the coding strand, the complement: JAG1 is on the minus strand). VCF-style: chr20-10672937-T-C. GRCh37 (hg19) VCF-style: chr20-10653585-T-C.
Other names: short protein forms N51D.
Identifiers: ClinVar variation 2198686 (VCV002198686.4), dbSNP rs2067507706, ClinGen allele CA408243611.